The following is an entry in ClinVar:

ClinVar aggregate classification (germline): Uncertain significance (1 of 4 stars; one submission).

Conditions:
Malignant hyperthermia, susceptibility to, 1 (MHS1). Also called: Anesthesia related hyperthermia; Malignant hyperpyrexia; Fulminating hyperpyrexia; Pharmacogenic myopathy; RYR1-Related Malignant Hyperthermia Susceptibility; Malignant hyperthermia suceptibility 1. Identifiers: Orphanet 423, MedGen C2930980, MONDO:0007783, OMIM 145600.

Allele frequency attached by ClinVar (database versions not stated): gnomAD exomes below 0.00001.

Submission:

All of Us Research Program, National Institutes of Health
Classification: Uncertain significance for Malignant hyperthermia, susceptibility to, 1. Last evaluated: 2024-03-05. Review status: criteria provided, single submitter. Criteria: ACMG Guidelines, 2015. Collection method: clinical testing. Allele origin: germline. Inheritance: Autosomal dominant inheritance. Observed: 2 variant alleles, 2 heterozygotes.
Comment: This study involves interpretation of variants in research participants for the purpose of population health screening. Participant phenotype was not available at the time of variant classification. Additional details can be found in publication PMID: 35346344, PMCID: PMC8962531

NM_000540.3(RYR1):c.4223C>T (p.Pro1408Leu)

Gene: RYR1 (ryanodine receptor 1; plus strand). Cytogenetic location: 19q13.2.
Variant type: single nucleotide variant.
Coding change: c.4223C>T on transcript NM_000540.3 (MANE Select); coding-DNA position 4223, C replaced by T.
Protein change: p.Pro1408Leu; replaces proline 1408 with leucine.
Molecular consequence: missense variant.
Genome position (GRCh38, 1-based): chr19:38,475,380, C>T. VCF-style: chr19-38475380-C-T. GRCh37 (hg19) VCF-style: chr19-38966020-C-T.
Other names: c.4223C>T, p.Pro1408Leu (NM_001042723.2); short protein forms P1408L.
Identifiers: ClinVar variation 3072585 (VCV003072585.2), dbSNP rs2145492346, ClinGen allele CA405644415.
Genomic context (GRCh38, chr19:38,475,380, plus strand): 5'-TCTTATTCAAGGCCAAGAAGGTCGCCATGATGACCCAGCCACCGGCCACCCCCACGCTGC[C>T]CCGACTCCCTCACGACGTGGTGCCTGCAGACAACCGCGATGACCCCGAGATCATCCTCAA-3'
Protein context (NP_000531.2, residues 1398-1418): MTQPPATPTL[Pro1408Leu]RLPHDVVPAD